The following is an entry in ClinVar:

ClinVar aggregate classification (germline): Uncertain significance (1 of 4 stars; one submission).

Submission:

GeneDx
Classification: Uncertain significance. Last evaluated: 2024-09-10. Review status: criteria provided, single submitter. Criteria: GeneDx Variant Classification Process June 2021. Collection method: clinical testing. Allele origin: germline. Affected: yes.
Comment: Not observed at significant frequency in large population cohorts (gnomAD); In silico analysis supports that this missense variant has a deleterious effect on protein structure/function; Has not been previously published as pathogenic or benign to our knowledge

NM_020745.4(AARS2):c.566T>G (p.Ile189Ser)

Gene: AARS2 (alanyl-tRNA synthetase 2, mitochondrial; minus strand). Cytogenetic location: 6p21.1.
Variant type: single nucleotide variant.
Coding change: c.566T>G on transcript NM_020745.4 (MANE Select); coding-DNA position 566, T replaced by G.
Protein change: p.Ile189Ser; replaces isoleucine 189 with serine.
Molecular consequence: missense variant.
Genome position (GRCh38, 1-based): chr6:44,311,405, A>C on the plus strand (T>G on the coding strand, the complement: AARS2 is on the minus strand). VCF-style: chr6-44311405-A-C. GRCh37 (hg19) VCF-style: chr6-44279142-A-C.
Other names: short protein forms I189S.
Identifiers: ClinVar variation 3767477 (VCV003767477.1).
Genomic context (GRCh38, chr6:44,311,405, plus strand): 5'-TCCTCCTGACCTCCAGGAATGAACATAAGAAGGGGGCTGACTTACCCTAAGCTCAGCCAG[A>C]TGTCCCTGGTCTCCAGGTCTGGGTCCAGCCCTGCCTTGGGGTCACCATCAAAGTAGGAGA-3'
Protein context (NP_065796.2, residues 179-199): GLDPDLETRD[Ile189Ser]WLSLGVPASR